The following is an entry in ClinVar:

NM_003919.3(SGCE):c.753_754dup (p.Met252fs)

Genes: CASD1 (CAS1 domain sialic acid O acetyltransferase 1; plus strand), SGCE (sarcoglycan epsilon; minus strand). Cytogenetic location: 7q21.3.
Variant type: Duplication.
Coding change: c.753_754dup on transcript NM_003919.3 (MANE Select); coding-DNA positions 753 to 754, 2 bases duplicated (AA; older notation c.753_754dupAA).
Protein change: p.Met252fs; shifts the reading frame from methionine 252.
Molecular consequence: frameshift variant.
Genome position (GRCh38, 1-based): chr7:94,603,361-94,603,362, TT duplicated on the plus strand (AA on the coding strand, the reverse complement: SGCE is on the minus strand); duplicating any 2 consecutive bases within chr7:94,603,361-94,603,363 gives the same sequence; the c. name uses the placement nearest the transcript's 3' end. VCF-style (leftmost placement, unchanged base first): chr7-94603360-A-ATT. GRCh37 (hg19) VCF-style: chr7-94232672-A-ATT.
Other names: c.630_631dup, p.Met211fs (NM_001362809.2, NM_001301139.2); c.753_754dup, p.Met252fs (NM_001099400.2, NM_001099401.2, NM_001346717.2); c.861_862dup, p.Met288fs (NM_001346713.2, NM_001346715.2); c.666_667dup, p.Met223fs (NM_001346719.2, NM_001362807.2); c.480_481dup, p.Met161fs (NM_001346720.2, NM_001362808.2); short protein forms M161fs, M211fs, M288fs, M252fs, M223fs.
Identifiers: ClinVar variation 3652674 (VCV003652674.2).

ClinVar aggregate classification (germline): Pathogenic (1 of 4 stars; one submission).

Conditions:
Myoclonic dystonia 11 (DYT11). Also called: Myoclonic dystonia; Dystonia 11; Dystonia, alcohol responsive; Hereditary essential myoclonus; SGCE Myoclonus-Dystonia; Myoclonus-Dystonia. Identifiers: Orphanet 36899, MedGen C1834570, MONDO:0008044, OMIM 159900.

Submission:

Labcorp Genetics (formerly Invitae), Labcorp
Classification: Pathogenic for Myoclonic dystonia 11. Last evaluated: 2024-05-08. Review status: criteria provided, single submitter. Criteria: Invitae Variant Classification Sherloc (09022015). Collection method: clinical testing. Allele origin: germline.
Comment: This sequence change creates a premature translational stop signal (p.Met252Lysfs*5) in the SGCE gene. It is expected to result in an absent or disrupted protein product. Loss-of-function variants in SGCE are known to be pathogenic (PMID: 12821748, 15389977, 17853490, 24297365). This variant is not present in population databases (gnomAD no frequency). This variant has not been reported in the literature in individuals affected with SGCE-related conditions. Algorithms developed to predict the effect of sequence changes on RNA splicing suggest that this variant may disrupt the consensus splice site. For these reasons, this variant has been classified as Pathogenic.

Literature cited by the submitters: PubMed 12821748; PubMed 15389977; PubMed 17853490; PubMed 24297365.